The following is an entry in ClinVar:

NM_015267.4(CUX2):c.1550C>T (p.Pro517Leu)

Gene: CUX2 (cut like homeobox 2; plus strand). Cytogenetic location: 12q24.12.
Variant type: single nucleotide variant.
Coding change: c.1550C>T on transcript NM_015267.4 (MANE Select); coding-DNA position 1550, C replaced by T.
Protein change: p.Pro517Leu; replaces proline 517 with leucine.
Molecular consequence: missense variant.
Genome position (GRCh38, 1-based): chr12:111,310,332, C>T. VCF-style: chr12-111310332-C-T. GRCh37 (hg19) VCF-style: chr12-111748136-C-T.
Other names: c.1364C>T, p.Pro455Leu (NM_001370598.1); short protein forms P455L, P517L.
Identifiers: ClinVar variation 5009308 (VCV005009308.1).

ClinVar aggregate classification (germline): Uncertain significance (1 of 4 stars; one submission).

Submission:

GeneDx
Classification: Uncertain significance. Last evaluated: 2026-03-17. Review status: criteria provided, single submitter. Criteria: GeneDx Variant Classification Process June 2021. Collection method: clinical testing. Allele origin: germline.
Comment: Not observed at significant frequency in large population cohorts (gnomAD); In silico analysis suggests that this missense variant does not alter protein structure/function; Has not been previously published as pathogenic or benign to our knowledge